The following is an entry in ClinVar:

ClinVar aggregate classification (germline): Pathogenic (1 of 4 stars; one submission).

Conditions:
Spastic paraplegia. Identifiers: MedGen C0037772, HP:0001258.

Submission:

Labcorp Genetics (formerly Invitae), Labcorp
Classification: Pathogenic for Spastic paraplegia. Last evaluated: 2024-07-22. Review status: criteria provided, single submitter. Criteria: Invitae Variant Classification Sherloc (09022015). Collection method: clinical testing. Allele origin: germline.
Comment: This sequence change creates a premature translational stop signal (p.Ser776*) in the AP4E1 gene. It is expected to result in an absent or disrupted protein product. Loss-of-function variants in AP4E1 are known to be pathogenic (PMID: 21620353, 21937992, 23472171). This variant is not present in population databases (gnomAD no frequency). This variant has not been reported in the literature in individuals affected with AP4E1-related conditions. For these reasons, this variant has been classified as Pathogenic.

Literature cited by the submitters: PubMed 21620353; PubMed 21937992; PubMed 23472171.

NM_007347.5(AP4E1):c.2327C>G (p.Ser776Ter)

Gene: AP4E1 (adaptor related protein complex 4 subunit epsilon 1; plus strand). Cytogenetic location: 15q21.2.
Variant type: single nucleotide variant.
Coding change: c.2327C>G on transcript NM_007347.5 (MANE Select); coding-DNA position 2327, C replaced by G.
Protein change: p.Ser776Ter; replaces serine 776 with a stop codon.
Molecular consequence: nonsense.
Genome position (GRCh38, 1-based): chr15:50,993,606, C>G. VCF-style: chr15-50993606-C-G. GRCh37 (hg19) VCF-style: chr15-51285803-C-G.
Other names: c.2102C>G, p.Ser701Ter (NM_001252127.2); short protein forms S776*, S701*.
Identifiers: ClinVar variation 3003031 (VCV003003031.3), dbSNP rs1011045344, ClinGen allele CA392419711.